The following is an entry in ClinVar:

ClinVar aggregate classification (germline): Uncertain significance. Review status: criteria provided, multiple submitters, no conflicts (2 of 4 stars). 4 submissions from 4 submitters: Uncertain significance (4). Last evaluated 2025-10-13.

Conditions:
Cardiovascular phenotype. Identifiers: MedGen CN230736.
Long QT syndrome (LQTS). Identifiers: MedGen C0023976, MeSH D008133, MONDO:0002442. Disease mechanism: loss of function. Inheritance: Various modes of inheritance.
Short QT syndrome type 1. Identifiers: Orphanet 51083, MedGen C1865020, MONDO:0012312, OMIM 609620.
Long QT syndrome 2 (LQT2). Identifiers: Orphanet 101016, Orphanet 768, MedGen C3150943, MONDO:0013367, OMIM 613688.

Allele frequency attached by ClinVar (database versions not stated): TOPMed 0.00006.
gnomAD v4.1: 8 of 1,466,674 alleles (0.00055%); highest among the groups gnomAD compares: African/African-American, 0.01%; no homozygotes.

Submissions (4):

Labcorp Genetics (formerly Invitae), Labcorp
Classification: Uncertain significance for Long QT syndrome. Last evaluated: 2025-10-13. Review status: criteria provided, single submitter. Criteria: Invitae Variant Classification Sherloc (09022015). Collection method: clinical testing. Allele origin: germline.
Comment: This sequence change replaces alanine, which is neutral and non-polar, with proline, which is neutral and non-polar, at codon 228 of the KCNH2 protein (p.Ala228Pro). This variant is present in population databases (no rsID available, gnomAD 0.02%). This variant has not been reported in the literature in individuals affected with KCNH2-related conditions. ClinVar contains an entry for this variant (Variation ID: 526974). An algorithm developed to predict the effect of missense changes on protein structure and function (PolyPhen-2) suggests that this variant is likely to be tolerated. In summary, the available evidence is currently insufficient to determine the role of this variant in disease. Therefore, it has been classified as a Variant of Uncertain Significance.

GeneDx
Classification: Uncertain significance. Last evaluated: 2024-11-19. Review status: criteria provided, single submitter. Criteria: GeneDx Variant Classification Process June 2021. Collection method: clinical testing. Allele origin: germline. Affected: yes.
Comment: Has not been previously published as pathogenic or benign to our knowledge; In silico analysis indicates that this missense variant does not alter protein structure/function

Ambry Genetics
Classification: Uncertain significance for Cardiovascular phenotype. Last evaluated: 2023-08-08. Review status: criteria provided, single submitter. Criteria: Ambry Variant Classification Scheme 2023. Collection method: clinical testing. Allele origin: germline.
Comment: The p.A228P variant (also known as c.682G>C), located in coding exon 4 of the KCNH2 gene, results from a G to C substitution at nucleotide position 682. The alanine at codon 228 is replaced by proline, an amino acid with highly similar properties. This amino acid position is not well conserved in available vertebrate species. In addition, the in silico prediction for this alteration is inconclusive. Since supporting evidence is limited at this time, the clinical significance of this alteration remains unclear.

Fulgent Genetics
Classification: Uncertain significance for Short QT syndrome type 1; Long QT syndrome 2. Last evaluated: 2021-09-20. Review status: criteria provided, single submitter. Criteria: ACMG Guidelines, 2015. Collection method: clinical testing. Allele origin: unknown.

NM_000238.4(KCNH2):c.682G>C (p.Ala228Pro)

Gene: KCNH2 (potassium voltage-gated channel subfamily H member 2; minus strand). Cytogenetic location: 7q36.1.
Variant type: single nucleotide variant.
Coding change: c.682G>C on transcript NM_000238.4 (MANE Select); coding-DNA position 682, G replaced by C.
Protein change: p.Ala228Pro; replaces alanine 228 with proline.
Molecular consequence: missense variant. On other transcripts: non-coding transcript variant (1).
Genome position (GRCh38, 1-based): chr7:150,958,293, C>G on the plus strand (G>C on the coding strand, the complement: KCNH2 is on the minus strand). VCF-style: chr7-150958293-C-G. GRCh37 (hg19) VCF-style: chr7-150655381-C-G.
Other names: c.394G>C, p.Ala132Pro (NM_001406753.1, NM_001406756.1); c.505G>C, p.Ala169Pro (NM_001406755.1); c.382G>C, p.Ala128Pro (NM_001406757.1); c.682G>C, p.Ala228Pro (NM_172056.3); short protein forms A228P, A128P, A169P, A132P.
Identifiers: ClinVar variation 526974 (VCV000526974.52), dbSNP rs989191027, ClinGen allele CA071880.